The following is an entry in ClinVar:

ClinVar aggregate classification (germline): Uncertain significance. Review status: criteria provided, multiple submitters, no conflicts (2 of 4 stars). 2 submissions from 2 submitters: Uncertain significance (2). Last evaluated 2025-07-15.

Conditions:
Hypertrophic cardiomyopathy. Also called: HYPERTROPHIC MYOCARDIOPATHY. Identifiers: Orphanet 217569, MedGen C0007194, MeSH D002312, MONDO:0005045, HP:0001639.

Submissions (2):

Labcorp Genetics (formerly Invitae), Labcorp
Classification: Uncertain significance for Hypertrophic cardiomyopathy. Last evaluated: 2025-07-15. Review status: criteria provided, single submitter. Criteria: Invitae Variant Classification Sherloc (09022015). Collection method: clinical testing. Allele origin: germline.
Comment: This sequence change replaces aspartic acid, which is acidic and polar, with glutamic acid, which is acidic and polar, at codon 461 of the MYH7 protein (p.Asp461Glu). This variant is not present in population databases (gnomAD no frequency). This missense change has been observed in individual(s) with hypertrophic cardiomyopathy (PMID: 25132132). ClinVar contains an entry for this variant (Variation ID: 1435407). Invitae Evidence Modeling of protein sequence and biophysical properties (such as structural, functional, and spatial information, amino acid conservation, physicochemical variation, residue mobility, and thermodynamic stability) indicates that this missense variant is expected to disrupt MYH7 protein function with a positive predictive value of 95%. This variant is found within a region of MYH7 between codons 181 and 937 that contains the majority of the myosin head domain. Missense variants in this region have been shown to be significantly overrepresented in individuals with hypertrophic cardiomyopathy (PMID: 27532257). In summary, the available evidence is currently insufficient to determine the role of this variant in disease. Therefore, it has been classified as a Variant of Uncertain Significance.

GeneDx
Classification: Uncertain significance. Last evaluated: 2025-03-03. Review status: criteria provided, single submitter. Criteria: GeneDx Variant Classification Process June 2021. Collection method: clinical testing. Allele origin: germline. Affected: yes.
Comment: In silico analysis supports that this missense variant has a deleterious effect on protein structure/function; Not observed at significant frequency in large population cohorts (gnomAD); Has not been previously published as pathogenic or benign to our knowledge; This variant is associated with the following publications: (PMID: 27532257, 25132132, 29300372)

Literature cited by the submitters: PubMed 25132132 (cited by Labcorp Genetics (formerly Invitae), Labcorp); PubMed 27532257 (cited by Labcorp Genetics (formerly Invitae), Labcorp).

NM_000257.4(MYH7):c.1383C>A (p.Asp461Glu)

Gene: MYH7 (myosin heavy chain 7; minus strand). Cytogenetic location: 14q11.2.
Variant type: single nucleotide variant.
Coding change: c.1383C>A on transcript NM_000257.4 (MANE Select); coding-DNA position 1383, C replaced by A.
Protein change: p.Asp461Glu; replaces aspartic acid 461 with glutamic acid.
Molecular consequence: missense variant.
Genome position (GRCh38, 1-based): chr14:23,428,979, G>T on the plus strand (C>A on the coding strand, the complement: MYH7 is on the minus strand). VCF-style: chr14-23428979-G-T. GRCh37 (hg19) VCF-style: chr14-23898188-G-T.
Other names: c.1383C>A (NM_000257.2); short protein forms D461E.
Identifiers: ClinVar variation 1435407 (VCV001435407.9), dbSNP rs776583355, ClinGen allele CA389050740.